The following is an entry in ClinVar:

ClinVar aggregate classification (germline): Uncertain significance (1 of 4 stars; one submission).

Conditions:
Hereditary cancer-predisposing syndrome. Also called: Neoplastic Syndromes, Hereditary; Tumor predisposition; Hereditary Cancer Syndrome; Hereditary neoplastic syndrome. Identifiers: Orphanet 140162, MedGen C0027672, MeSH D009386, MONDO:0015356.

Submission:

Ambry Genetics
Classification: Uncertain significance for Hereditary cancer-predisposing syndrome. Last evaluated: 2019-06-28. Review status: criteria provided, single submitter. Criteria: Ambry Variant Classification Scheme 2023. Collection method: clinical testing. Allele origin: germline.
Comment: The p.F289C variant (also known as c.866T>G), located in coding exon 8 of the PMS2 gene, results from a T to G substitution at nucleotide position 866. The phenylalanine at codon 289 is replaced by cysteine, an amino acid with highly dissimilar properties. This amino acid position is highly conserved in available vertebrate species. In addition, this alteration is predicted to be deleterious by in silico analysis. Since supporting evidence is limited at this time, the clinical significance of this alteration remains unclear.

NM_000535.7(PMS2):c.866T>G (p.Phe289Cys)

Gene: PMS2 (PMS1 homolog 2, mismatch repair system component; minus strand). Cytogenetic location: 7p22.1.
Variant type: single nucleotide variant.
Coding change: c.866T>G on transcript NM_000535.7 (MANE Select); coding-DNA position 866, T replaced by G.
Protein change: p.Phe289Cys; replaces phenylalanine 289 with cysteine.
Molecular consequence: missense variant. On other transcripts: 5 prime UTR variant (2), non-coding transcript variant (1).
Genome position (GRCh38, 1-based): chr7:5,995,571, A>C on the plus strand (T>G on the coding strand, the complement: PMS2 is on the minus strand). VCF-style: chr7-5995571-A-C. GRCh37 (hg19) VCF-style: chr7-6035202-A-C.
Other names: c.461T>G, p.Phe154Cys (NM_001018040.1, NM_001322003.2, NM_001322004.2 and 20 more transcripts); c.866T>G, p.Phe289Cys (NM_001322006.2, NM_001322014.2, NM_001406870.1 and 2 more transcripts); c.548T>G, p.Phe183Cys (NM_001322007.2, NM_001322008.2, NM_001406876.1 and 4 more transcripts); c.-68T>G (NM_001322011.2, NM_001322012.2); c.293T>G, p.Phe98Cys (NM_001322013.2, NM_001406909.1); c.557T>G, p.Phe186Cys (NM_001322015.2, NM_001406875.1, NM_001406877.1 and 6 more transcripts); c.1052T>G, p.Phe351Cys (NM_001406866.1); c.890T>G, p.Phe297Cys (NM_001406868.1); and 4 more; short protein forms F118C, F177C, F183C, F351C, F154C, F233C, F253C, F297C.
Identifiers: ClinVar variation 1764245 (VCV001764245.2), dbSNP rs2128775153, ClinGen allele CA366743465.